The following is an entry in ClinVar:

ClinVar aggregate classification (germline): Uncertain significance (1 of 4 stars; one submission).

Conditions:
Lethal congenital glycogen storage disease of heart. Also called: PHOSPHORYLASE KINASE DEFICIENCY OF HEART; GLYCOGEN STORAGE DISEASE OF HEART. Identifiers: Orphanet 439854, MedGen C1849813, MONDO:0009867, OMIM 261740.

gnomAD v4.1: 1 of 1,405,286 alleles (0.000071%); highest among the groups gnomAD compares: Non-Finnish European, 0.000094%; no homozygotes.

Submission:

Labcorp Genetics (formerly Invitae), Labcorp
Classification: Uncertain significance for Lethal congenital glycogen storage disease of heart. Last evaluated: 2024-07-24. Review status: criteria provided, single submitter. Criteria: Invitae Variant Classification Sherloc (09022015). Collection method: clinical testing. Allele origin: germline.
Comment: This sequence change replaces alanine, which is neutral and non-polar, with serine, which is neutral and polar, at codon 232 of the PRKAG2 protein (p.Ala232Ser). This variant is not present in population databases (gnomAD no frequency). This variant has not been reported in the literature in individuals affected with PRKAG2-related conditions. Advanced modeling of protein sequence and biophysical properties (such as structural, functional, and spatial information, amino acid conservation, physicochemical variation, residue mobility, and thermodynamic stability) performed at Invitae indicates that this missense variant is not expected to disrupt PRKAG2 protein function with a negative predictive value of 95%. In summary, the available evidence is currently insufficient to determine the role of this variant in disease. Therefore, it has been classified as a Variant of Uncertain Significance.

NM_016203.4(PRKAG2):c.694G>T (p.Ala232Ser)

Genes: PRKAG2 (protein kinase AMP-activated non-catalytic subunit gamma 2; minus strand), LOC129999660 (ATAC-STARR-seq lymphoblastoid silent region 18823; plus strand). Cytogenetic location: 7q36.1.
Variant type: single nucleotide variant.
Coding change: c.694G>T on transcript NM_016203.4 (MANE Select); coding-DNA position 694, G replaced by T.
Protein change: p.Ala232Ser; replaces alanine 232 with serine.
Molecular consequence: missense variant. On other transcripts: 5 prime UTR variant (7), intron variant (3).
Genome position (GRCh38, 1-based): chr7:151,632,129, C>A on the plus strand (G>T on the coding strand, the complement: PRKAG2 is on the minus strand). VCF-style: chr7-151632129-C-A. GRCh37 (hg19) VCF-style: chr7-151329215-C-A.
Other names: c.562G>T, p.Ala188Ser (NM_001040633.2, NM_001407027.1, NM_001407026.1 and 1 more transcripts); c.322G>T, p.Ala108Ser (NM_001363698.2, NM_001304527.2, NM_001407028.1 and 1 more transcripts); c.-30G>T (NM_001304531.2, NM_001407034.1, NM_001407035.1 and 4 more transcripts); c.694G>T, p.Ala232Ser (NM_001407021.1, NM_001407022.1, NM_001407023.1); c.376G>T, p.Ala126Ser (NM_001407032.1); c.370G>T, p.Ala124Ser (NM_001407033.1); c.22G>T, p.Ala8Ser (NM_001407038.1); c.467-36678G>T (NM_001407031.1); and 2 more; short protein forms A124S, A108S, A126S, A8S, A188S, A232S.
Identifiers: ClinVar variation 3636783 (VCV003636783.2).
Genomic context (GRCh38, chr7:151,632,129, plus strand): 5'-CTTCGTCCTCGAACTCCAGCTTCTCCAGCATGCCGGCTTCCGCGGGTCCCAGGGCCGCCG[C>A]CAGCGCCGCCTGAGGGGGAGGAGGAGGACAGCGATCAGCATGAGCTGCGACGCTCGTCCC-3'
Protein context (NP_057287.2, residues 222-242): HYAPSKAAAL[Ala232Ser]AALGPAEAGM